The following is an entry in ClinVar:

ClinVar aggregate classification (germline): Uncertain significance. Review status: criteria provided, multiple submitters, no conflicts (2 of 4 stars). 3 submissions from 3 submitters: Uncertain significance (3). Last evaluated 2026-03-04.

Conditions:
MKKS-related disorder. Also called: MKKS-related disorders; MKKS-related condition.
McKusick-Kaufman syndrome (MKKS). Also called: HYDROMETROCOLPOS SYNDROME; HYDROMETROCOLPOS, POSTAXIAL POLYDACTYLY, AND CONGENITAL HEART MALFORMATION. Identifiers: Orphanet 2473, MedGen C0948368, MONDO:0009367, OMIM 236700.
Bardet-Biedl syndrome (BBS). Identifiers: Orphanet 110, MedGen C0752166, MONDO:0015229.
Bardet-Biedl syndrome 6 (BBS6). Identifiers: Orphanet 110, MedGen C1858054, MONDO:0011523, OMIM 605231.

Allele frequency attached by ClinVar (database versions not stated): gnomAD 0.00001.
gnomAD v4.1: 44 of 1,613,308 alleles (0.0027%); highest among the groups gnomAD compares: Middle Eastern, 0.049%; no homozygotes.

Submissions (3):

PreventionGenetics, part of Exact Sciences
Classification: Uncertain significance for MKKS-related condition. Last evaluated: 2026-03-04. Review status: criteria provided, single submitter. Criteria: ACMG Guidelines, 2015. Collection method: clinical testing. Allele origin: germline.
Comment: The MKKS c.146G>T variant is predicted to result in the amino acid substitution p.Gly49Val. To our knowledge, this variant has not been reported in the literature. This variant is reported in 0.026% of alleles in individuals of South Asian descent in gnomAD. At this time, the clinical significance of this variant is uncertain due to the absence of conclusive functional and genetic evidence.

Fulgent Genetics
Classification: Uncertain significance for McKusick-Kaufman syndrome; Bardet-Biedl syndrome 6. Last evaluated: 2024-06-12. Review status: criteria provided, single submitter. Criteria: ACMG Guidelines, 2015. Collection method: clinical testing. Allele origin: germline.

Labcorp Genetics (formerly Invitae), Labcorp
Classification: Uncertain significance for McKusick-Kaufman syndrome; Bardet-Biedl syndrome. Last evaluated: 2022-07-06. Review status: criteria provided, single submitter. Criteria: Invitae Variant Classification Sherloc (09022015). Collection method: clinical testing. Allele origin: germline.
Comment: This sequence change replaces glycine, which is neutral and non-polar, with valine, which is neutral and non-polar, at codon 49 of the MKKS protein (p.Gly49Val). This variant is present in population databases (rs528833454, gnomAD 0.03%). This variant has not been reported in the literature in individuals affected with MKKS-related conditions. ClinVar contains an entry for this variant (Variation ID: 1061951). Algorithms developed to predict the effect of missense changes on protein structure and function are either unavailable or do not agree on the potential impact of this missense change (SIFT: "Deleterious"; PolyPhen-2: "Possibly Damaging"; Align-GVGD: "Class C0"). In summary, the available evidence is currently insufficient to determine the role of this variant in disease. Therefore, it has been classified as a Variant of Uncertain Significance.

NM_170784.3(MKKS):c.146G>T (p.Gly49Val)

Gene: MKKS (MKKS centrosomal shuttling protein; minus strand). Cytogenetic location: 20p12.2.
Variant type: single nucleotide variant.
Coding change: c.146G>T on transcript NM_170784.3 (MANE Select); coding-DNA position 146, G replaced by T.
Protein change: p.Gly49Val; replaces glycine 49 with valine.
Molecular consequence: missense variant.
Genome position (GRCh38, 1-based): chr20:10,413,369, C>A on the plus strand (G>T on the coding strand, the complement: MKKS is on the minus strand). VCF-style: chr20-10413369-C-A. GRCh37 (hg19) VCF-style: chr20-10394017-C-A.
Other names: c.146G>T, p.Gly49Val (NM_018848.3); short protein forms G49V.
Identifiers: ClinVar variation 1061951 (VCV001061951.10), dbSNP rs528833454, ClinGen allele CA9763732.